The following is an entry in ClinVar:

ClinVar aggregate classification (germline): Pathogenic (1 of 4 stars; one submission).

Conditions:
Cardiovascular phenotype. Identifiers: MedGen CN230736.
Hereditary cancer-predisposing syndrome. Also called: Tumor predisposition; Neoplastic Syndromes, Hereditary; Hereditary Cancer Syndrome; Hereditary neoplastic syndrome. Identifiers: Orphanet 140162, MedGen C0027672, MeSH D009386, MONDO:0015356.

Submission:

Ambry Genetics
Classification: Pathogenic for Cardiovascular phenotype; Hereditary cancer-predisposing syndrome. Last evaluated: 2025-03-06. Review status: criteria provided, single submitter. Criteria: Ambry Variant Classification Scheme 2023. Collection method: clinical testing. Allele origin: germline.
Comment: The c.5967delA pathogenic mutation, located in coding exon 40 of the NF1 gene, results from a deletion of one nucleotide at nucleotide position 5967, causing a translational frameshift with a predicted alternate stop codon (p.L1990*). This variant is considered to be rare based on population cohorts in the Genome Aggregation Database (gnomAD). This alteration is expected to result in loss of function by premature protein truncation or nonsense-mediated mRNA decay. As such, this alteration is interpreted as a disease-causing mutation.

NM_001042492.3(NF1):c.6030del (p.Val2010_Leu2011insTer)

Gene: NF1 (neurofibromin 1; plus strand). Cytogenetic location: 17q11.2.
Variant type: Deletion.
Coding change: c.6030del on transcript NM_001042492.3 (MANE Select); coding-DNA position 6030, one base deleted (A; older notation c.6030delA).
Protein change: p.Val2010_Leu2011insTer.
Molecular consequence: frameshift variant. On other transcripts: nonsense (1).
Genome position (GRCh38, 1-based): chr17:31,336,356, A deleted. VCF-style (leftmost placement, unchanged base first): chr17-31336355-TA-T. GRCh37 (hg19) VCF-style: chr17-29663373-TA-T.
Other names: c.5967delA (NM_000267.3); c.5967delA, p.Leu1990Terfs (NM_000267.4).
Identifiers: ClinVar variation 3879098 (VCV003879098.1).